The following is an entry in ClinVar:

NM_014974.3(DIP2C):c.3912del (p.Ile1305fs)

Gene: DIP2C (disco interacting protein 2 homolog C; minus strand). Cytogenetic location: 10p15.3.
Variant type: Deletion.
Coding change: c.3912del on transcript NM_014974.3 (MANE Select); coding-DNA position 3912, one base deleted (G; older notation c.3912delG).
Protein change: p.Ile1305fs; shifts the reading frame from isoleucine 1305.
Molecular consequence: frameshift variant.
Genome position (GRCh38, 1-based): chr10:327,018, C deleted on the plus strand (G on the coding strand, the reverse complement: DIP2C is on the minus strand). VCF-style (leftmost placement, unchanged base first): chr10-327017-TC-T. GRCh37 (hg19) VCF-style: chr10-372957-TC-T.
Other names: short protein forms I1305fs.
Identifiers: ClinVar variation 3342627 (VCV003342627.1).

ClinVar aggregate classification (germline): Uncertain significance (1 of 4 stars; one submission).

Submission:

GeneDx
Classification: Uncertain significance. Last evaluated: 2022-09-04. Review status: criteria provided, single submitter. Criteria: GeneDx Variant Classification Process June 2021. Collection method: clinical testing. Allele origin: germline. Affected: yes.
Comment: Not observed at significant frequency in large population cohorts (gnomAD); Frameshift variant predicted to result in protein truncation or nonsense-mediated decay in a gene or region of a gene for which loss of function is not a well-established mechanism of disease; Has not been previously reported as pathogenic or benign to our knowledge; Variants in candidate genes are classified as variants of uncertain significance in accordance with ACMG guidelines (Richards et al., 2015)